The following is an entry in ClinVar:

NM_003590.5(CUL3):c.1206+1G>T

Gene: CUL3 (cullin 3; minus strand). Cytogenetic location: 2q36.2.
Variant type: single nucleotide variant.
Coding change: c.1206+1G>T on transcript NM_003590.5 (MANE Select); the canonical splice donor site of the intron after coding-DNA position 1206, G replaced by T.
Molecular consequence: splice donor variant.
Genome position (GRCh38, 1-based): chr2:224,505,955, C>A on the plus strand (G>T on the coding strand, the complement: CUL3 is on the minus strand). VCF-style: chr2-224505955-C-A. GRCh37 (hg19) VCF-style: chr2-225370672-C-A.
Other names: c.1008+1G>T (NM_001257197.2); c.1224+1G>T (NM_001257198.2).
Identifiers: ClinVar variation 1455450 (VCV001455450.9), dbSNP rs2106202524, ClinGen allele CA350828318.

ClinVar aggregate classification (germline): Conflicting classifications of pathogenicity. Review status: criteria provided, conflicting classifications (1 of 4 stars). 2 submissions from 2 submitters: Pathogenic (1); Uncertain significance (1). Last evaluated 2024-04-02.

Conditions:
Neurodevelopmental disorder with or without autism or seizures (NEDAUS). Identifiers: MedGen C5543225, MONDO:0030994, OMIM 619239.

Submissions (2):

Labcorp Genetics (formerly Invitae), Labcorp
Classification: Pathogenic. Last evaluated: 2024-04-02. Review status: criteria provided, single submitter. Criteria: Invitae Variant Classification Sherloc (09022015). Collection method: clinical testing. Allele origin: germline.
Comment: This sequence change affects a donor splice site in intron 8 of the CUL3 gene. It is expected to disrupt RNA splicing. Variants that disrupt the donor or acceptor splice site typically lead to a loss of protein function (PMID: 16199547), and loss-of-function variants in CUL3 are known to be pathogenic (PMID: 32341456). This variant is not present in population databases (gnomAD no frequency). Disruption of this splice site has been observed in individual(s) with clinical features of CUL3-related neurodevelopmental disorder (PMID: 27824329; Invitae). In at least one individual the variant was observed to be de novo. ClinVar contains an entry for this variant (Variation ID: 1455450). Algorithms developed to predict the effect of sequence changes on RNA splicing suggest that this variant may disrupt the consensus splice site. For these reasons, this variant has been classified as Pathogenic.

Equipe Genetique des Anomalies du Developpement, Université de Bourgogne
Classification: Uncertain significance for Neurodevelopmental disorder with or without autism or seizures. Last evaluated: 2018-07-25. Review status: criteria provided, single submitter. Criteria: ACMG Guidelines, 2015. Collection method: research. Allele origin: maternal. Affected: yes.

Literature cited by the submitters: PubMed 16199547 (cited by Labcorp Genetics (formerly Invitae), Labcorp); PubMed 32341456 (cited by Labcorp Genetics (formerly Invitae), Labcorp); PubMed 27824329 (cited by Labcorp Genetics (formerly Invitae), Labcorp).